The following is an entry in ClinVar:

ClinVar aggregate classification (germline): Uncertain significance (1 of 4 stars; one submission).

gnomAD v4.1: 1 of 1,614,050 alleles (0.000062%); highest among the groups gnomAD compares: Non-Finnish European, 0.000085%; no homozygotes.

Submission:

GeneDx
Classification: Uncertain significance. Last evaluated: 2024-09-17. Review status: criteria provided, single submitter. Criteria: GeneDx Variant Classification Process June 2021. Collection method: clinical testing. Allele origin: germline. Affected: yes.
Comment: Not observed at significant frequency in large population cohorts (gnomAD); In silico analysis supports that this missense variant has a deleterious effect on protein structure/function; Has not been previously published as pathogenic or benign to our knowledge

NM_012062.5(DNM1L):c.1402G>A (p.Val468Met)

Gene: DNM1L (dynamin 1 like; plus strand). Cytogenetic location: 12p11.21.
Variant type: single nucleotide variant.
Coding change: c.1402G>A on transcript NM_012062.5 (MANE Select); coding-DNA position 1402, G replaced by A.
Protein change: p.Val468Met; replaces valine 468 with methionine.
Molecular consequence: missense variant.
Genome position (GRCh38, 1-based): chr12:32,731,899, G>A. VCF-style: chr12-32731899-G-A. GRCh37 (hg19) VCF-style: chr12-32884833-G-A.
Other names: c.1402G>A, p.Val468Met (NM_001278463.2, NM_005690.5, NM_012063.4); c.1441G>A, p.Val481Met (NM_001278464.2, NM_001278465.2, NM_001330380.2); c.793G>A, p.Val265Met (NM_001278466.2); short protein forms V265M, V468M, V481M.
Identifiers: ClinVar variation 3769782 (VCV003769782.1).